The following is an entry in ClinVar:

ClinVar aggregate classification (germline): Pathogenic (1 of 4 stars; one submission).

Conditions:
Cardiovascular phenotype. Identifiers: MedGen CN230736.

Submission:

Ambry Genetics
Classification: Pathogenic for Cardiovascular phenotype. Last evaluated: 2024-04-18. Review status: criteria provided, single submitter. Criteria: Ambry Variant Classification Scheme 2023. Collection method: clinical testing. Allele origin: germline.
Comment: The c.272delA pathogenic mutation, located in coding exon 2 of the TECRL gene, results from a deletion of one nucleotide at nucleotide position 272, causing a translational frameshift with a predicted alternate stop codon (p.K91Sfs*18). This variant is considered to be rare based on population cohorts in the Genome Aggregation Database (gnomAD). This alteration is expected to result in loss of function by premature protein truncation or nonsense-mediated mRNA decay. As such, this alteration is interpreted as a disease-causing mutation.

NM_001010874.5(TECRL):c.272del (p.Lys91fs)

Gene: TECRL (trans-2,3-enoyl-CoA reductase like; minus strand). Cytogenetic location: 4q13.1.
Variant type: Deletion.
Coding change: c.272del on transcript NM_001010874.5 (MANE Select); coding-DNA position 272, one base deleted (A; older notation c.272delA).
Protein change: p.Lys91fs; shifts the reading frame from lysine 91.
Molecular consequence: frameshift variant.
Genome position (GRCh38, 1-based): chr4:64,375,186, T deleted on the plus strand (A on the coding strand, the reverse complement: TECRL is on the minus strand); the first of 4 consecutive T bases (chr4:64,375,186-64,375,189); deleting any one gives the same sequence. VCF-style (leftmost placement, unchanged base first): chr4-64375185-CT-C. GRCh37 (hg19) VCF-style: chr4-65240903-CT-C.
Other names: c.272del, p.Lys91fs (NM_001363796.1); short protein forms K91fs.
Identifiers: ClinVar variation 3325216 (VCV003325216.1).
Genomic context (GRCh38, chr4:64,375,185, plus strand): 5'-AAAATAAAACATTATGATGTAAATTCTAAATAATATATAAAACTTACATGCTTTGTGAAA[CT>C]TTTGCTTAACATCATGAATAGTAGATGATTGTGTCACCTGAAAAGGAAAAGAAAATAGAG-3'